The following is an entry in ClinVar:

ClinVar aggregate classification (germline): Uncertain significance (1 of 4 stars; one submission).

Conditions:
Developmental and epileptic encephalopathy, 23 (DEE23). Also called: Epileptic encephalopathy, early infantile, 23. Identifiers: Orphanet 411986, MedGen C4014492, MONDO:0014371, OMIM 615859.

Submission:

Labcorp Genetics (formerly Invitae), Labcorp
Classification: Uncertain significance for Developmental and epileptic encephalopathy, 23. Last evaluated: 2020-02-06. Review status: criteria provided, single submitter. Criteria: Invitae Variant Classification Sherloc (09022015). Collection method: clinical testing. Allele origin: germline.
Comment: This sequence change replaces methionine with leucine at codon 181 of the DOCK7 protein (p.Met181Leu). The methionine residue is moderately conserved and there is a small physicochemical difference between methionine and leucine. In summary, the available evidence is currently insufficient to determine the role of this variant in disease. Therefore, it has been classified as a Variant of Uncertain Significance. Algorithms developed to predict the effect of missense changes on protein structure and function (SIFT, PolyPhen-2, Align-GVGD) all suggest that this variant is likely to be tolerated, but these predictions have not been confirmed by published functional studies and their clinical significance is uncertain. This variant has not been reported in the literature in individuals with DOCK7-related conditions. This variant is present in population databases (rs61743961, ExAC 0.002%).

NM_001367561.1(DOCK7):c.541A>T (p.Met181Leu)

Gene: DOCK7 (dedicator of cytokinesis 7; minus strand). Cytogenetic location: 1p31.3.
Variant type: single nucleotide variant.
Coding change: c.541A>T on transcript NM_001367561.1 (MANE Select); coding-DNA position 541, A replaced by T.
Protein change: p.Met181Leu; replaces methionine 181 with leucine.
Molecular consequence: missense variant.
Genome position (GRCh38, 1-based): chr1:62,648,297, T>A on the plus strand (A>T on the coding strand, the complement: DOCK7 is on the minus strand). VCF-style: chr1-62648297-T-A. GRCh37 (hg19) VCF-style: chr1-63113968-T-A.
Other names: c.541A>T, p.Met181Leu (NM_001271999.2, NM_001272000.2, NM_001272001.2 and 3 more transcripts); short protein forms M181L.
Identifiers: ClinVar variation 1043703 (VCV001043703.11), dbSNP rs61743961, ClinGen allele CA887162.